The following is an entry in ClinVar:

NM_000399.5(EGR2):c.1402C>T (p.Pro468Ser)

Gene: EGR2 (early growth response 2; minus strand). Cytogenetic location: 10q21.3.
Variant type: single nucleotide variant.
Coding change: c.1402C>T on transcript NM_000399.5 (MANE Select); coding-DNA position 1402, C replaced by T.
Protein change: p.Pro468Ser; replaces proline 468 with serine.
Molecular consequence: missense variant.
Genome position (GRCh38, 1-based): chr10:62,813,236, G>A on the plus strand (C>T on the coding strand, the complement: EGR2 is on the minus strand). VCF-style: chr10-62813236-G-A. GRCh37 (hg19) VCF-style: chr10-64572996-G-A.
Other names: c.1402C>T (NM_000399.3); c.1402C>T, p.Pro468Ser (NM_001136177.3, NM_001136178.2); c.1252C>T, p.Pro418Ser (NM_001136179.3, NM_001321037.2); short protein forms P418S, P468S.
Identifiers: ClinVar variation 1004705 (VCV001004705.10), dbSNP rs374833463, ClinGen allele CA5517141.

ClinVar aggregate classification (germline): Uncertain significance. Review status: criteria provided, multiple submitters, no conflicts (2 of 4 stars). 2 submissions from 2 submitters: Uncertain significance (2). Last evaluated 2025-03-04.

Conditions:
Charcot-Marie-Tooth disease, type I (CMT1). Also called: Charcot-Marie-Tooth, Type 1; Charcot-Marie-Tooth disease type 1. Identifiers: Orphanet 65753, MedGen C0751036, MONDO:0019011.

Allele frequency attached by ClinVar (database versions not stated): gnomAD 0.00002 and 0.00003; gnomAD exomes 0.00003 and 0.00004; ExAC 0.00005; TOPMed 0.00007; ESP Exome Variant Server 0.00008; 1000 Genomes Project 30x 0.00016; 1000 Genomes Project 0.00020.
gnomAD v4.1: 71 of 1,568,342 alleles (0.0045%); highest among the groups gnomAD compares: Middle Eastern, 0.069%; no homozygotes.

Submissions (2):

GeneDx
Classification: Uncertain significance. Last evaluated: 2025-03-04. Review status: criteria provided, single submitter. Criteria: GeneDx Variant Classification Process June 2021. Collection method: clinical testing. Allele origin: germline. Affected: yes.
Comment: In silico analysis supports that this missense variant does not alter protein structure/function; Has not been previously published as pathogenic or benign to our knowledge

Labcorp Genetics (formerly Invitae), Labcorp
Classification: Uncertain significance for Charcot-Marie-Tooth disease, type I. Last evaluated: 2024-11-05. Review status: criteria provided, single submitter. Criteria: Invitae Variant Classification Sherloc (09022015). Collection method: clinical testing. Allele origin: germline.
Comment: This sequence change replaces proline, which is neutral and non-polar, with serine, which is neutral and polar, at codon 468 of the EGR2 protein (p.Pro468Ser). The frequency data for this variant in the population databases is considered unreliable, as metrics indicate poor data quality at this position in the gnomAD database. This variant has not been reported in the literature in individuals affected with EGR2-related conditions. ClinVar contains an entry for this variant (Variation ID: 1004705). Invitae Evidence Modeling of protein sequence and biophysical properties (such as structural, functional, and spatial information, amino acid conservation, physicochemical variation, residue mobility, and thermodynamic stability) indicates that this missense variant is not expected to disrupt EGR2 protein function with a negative predictive value of 80%. In summary, the available evidence is currently insufficient to determine the role of this variant in disease. Therefore, it has been classified as a Variant of Uncertain Significance.